The following is an entry in ClinVar:

ClinVar aggregate classification (germline): Uncertain significance. Review status: criteria provided, multiple submitters, no conflicts (2 of 4 stars). 5 submissions from 5 submitters: Uncertain significance (5). Last evaluated 2023-04-11.

Conditions:
Pyknodysostosis. Also called: Pycnodysostosis. Identifiers: Orphanet 763, MedGen C0238402, MONDO:0009940, OMIM 265800.

Allele frequency attached by ClinVar (database versions not stated): 1000 Genomes Project 30x 0.00062; ESP Exome Variant Server 0.00008; TOPMed 0.00014; gnomAD exomes 0.00015 and 0.00018; ExAC 0.00016; gnomAD 0.00016 and 0.00017; 1000 Genomes Project 0.00060.
gnomAD v4.1: 242 of 1,613,054 alleles (0.015%); highest among the groups gnomAD compares: Middle Eastern, 0.033%; no homozygotes.

Submissions (5):

Genome-Nilou Lab
Classification: Uncertain significance for Pyknodysostosis. Last evaluated: 2023-04-11. Review status: criteria provided, single submitter. Criteria: ACMG Guidelines, 2015. Collection method: clinical testing. Allele origin: germline. Affected: no.

Labcorp Genetics (formerly Invitae), Labcorp
Classification: Uncertain significance. Last evaluated: 2022-10-17. Review status: criteria provided, single submitter. Criteria: Invitae Variant Classification Sherloc (09022015). Collection method: clinical testing. Allele origin: germline.
Comment: This sequence change replaces serine, which is neutral and polar, with asparagine, which is neutral and polar, at codon 271 of the CTSK protein (p.Ser271Asn). This variant is present in population databases (rs183135762, gnomAD 0.03%). This variant has not been reported in the literature in individuals affected with CTSK-related conditions. ClinVar contains an entry for this variant (Variation ID: 292581). Advanced modeling of protein sequence and biophysical properties (such as structural, functional, and spatial information, amino acid conservation, physicochemical variation, residue mobility, and thermodynamic stability) performed at Invitae indicates that this missense variant is not expected to disrupt CTSK protein function. Algorithms developed to predict the effect of sequence changes on RNA splicing suggest that this variant may create or strengthen a splice site. In summary, the available evidence is currently insufficient to determine the role of this variant in disease. Therefore, it has been classified as a Variant of Uncertain Significance.

Department of Pathology and Laboratory Medicine, Sinai Health System
Classification: Uncertain significance for pycnodysostosis. Last evaluated: 2021-07-30. Review status: criteria provided, single submitter. Criteria: ACMG Guidelines, 2015. Collection method: research. Allele origin: germline.

Illumina Laboratory Services, Illumina
Classification: Uncertain significance for Pyknodysostosis. Last evaluated: 2018-01-13. Review status: criteria provided, single submitter. Criteria: ICSL Variant Classification Criteria 13 December 2019. Collection method: clinical testing. Allele origin: germline.

Breakthrough Genomics
Classification: Uncertain significance. Review status: criteria provided, single submitter. Criteria: ACMG Guidelines, 2015. Collection method: not provided. Allele origin: germline. Inheritance: Autosomal recessive inheritance. Affected: yes.

NM_000396.4(CTSK):c.812G>A (p.Ser271Asn)

Gene: CTSK (cathepsin K; minus strand). Cytogenetic location: 1q21.3.
Variant type: single nucleotide variant.
Coding change: c.812G>A on transcript NM_000396.4 (MANE Select); coding-DNA position 812, G replaced by A.
Protein change: p.Ser271Asn; replaces serine 271 with asparagine.
Molecular consequence: missense variant.
Genome position (GRCh38, 1-based): chr1:150,799,246, C>T on the plus strand (G>A on the coding strand, the complement: CTSK is on the minus strand). VCF-style: chr1-150799246-C-T. GRCh37 (hg19) VCF-style: chr1-150771722-C-T.
Other names: short protein forms S271N.
Identifiers: ClinVar variation 292581 (VCV000292581.9), dbSNP rs183135762, ClinGen allele CA1080419.